The following is an entry in ClinVar:

NM_000245.4(MET):c.520G>T (p.Asp174Tyr)

Gene: MET (MET proto-oncogene, receptor tyrosine kinase; plus strand). Cytogenetic location: 7q31.2.
Variant type: single nucleotide variant.
Coding change: c.520G>T on transcript NM_000245.4 (MANE Select); coding-DNA position 520, G replaced by T.
Protein change: p.Asp174Tyr; replaces aspartic acid 174 with tyrosine.
Molecular consequence: missense variant. On other transcripts: intron variant (1).
Genome position (GRCh38, 1-based): chr7:116,699,604, G>T. VCF-style: chr7-116699604-G-T. GRCh37 (hg19) VCF-style: chr7-116339658-G-T.
Other names: c.520G>T, p.Asp174Tyr (NM_001127500.3, NM_001324401.3); c.-91+27027G>T (NM_001324402.2); short protein forms D174Y.
Identifiers: ClinVar variation 3662099 (VCV003662099.2).
Genomic context (GRCh38, chr7:116,699,604, plus strand): 5'-ATACAGTCGGAGGTTCACTGCATATTCTCCCCACAGATAGAAGAGCCCAGCCAGTGTCCT[G>T]ACTGTGTGGTGAGCGCCCTGGGAGCCAAAGTCCTTTCATCTGTAAAGGACCGGTTCATCA-3'
Protein context (NP_000236.2, residues 164-184): PQIEEPSQCP[Asp174Tyr]CVVSALGAKV

ClinVar aggregate classification (germline): Uncertain significance (1 of 4 stars; one submission).

Conditions:
Renal cell carcinoma. Identifiers: Orphanet 217071, MedGen C0007134, MeSH D002292, MONDO:0005086, HP:0005584.

Submission:

Labcorp Genetics (formerly Invitae), Labcorp
Classification: Uncertain significance for Renal cell carcinoma. Last evaluated: 2025-04-30. Review status: criteria provided, single submitter. Criteria: Invitae Variant Classification Sherloc (09022015). Collection method: clinical testing. Allele origin: germline.
Comment: This sequence change replaces aspartic acid, which is acidic and polar, with tyrosine, which is neutral and polar, at codon 174 of the MET protein (p.Asp174Tyr). This variant is not present in population databases (gnomAD no frequency). This variant has not been reported in the literature in individuals affected with MET-related conditions. ClinVar contains an entry for this variant (Variation ID: 3662099). Invitae Evidence Modeling of protein sequence and biophysical properties (such as structural, functional, and spatial information, amino acid conservation, physicochemical variation, residue mobility, and thermodynamic stability) indicates that this missense variant is expected to disrupt MET protein function with a positive predictive value of 80%. In summary, the available evidence is currently insufficient to determine the role of this variant in disease. Therefore, it has been classified as a Variant of Uncertain Significance.